The following is an entry in ClinVar:

NM_003482.4(KMT2D):c.1940C>A (p.Pro647Gln)

Gene: KMT2D (lysine methyltransferase 2D; minus strand). Cytogenetic location: 12q13.12.
Variant type: single nucleotide variant.
Coding change: c.1940C>A on transcript NM_003482.4 (MANE Select); coding-DNA position 1940, C replaced by A.
Protein change: p.Pro647Gln; replaces proline 647 with glutamine.
Molecular consequence: missense variant.
Genome position (GRCh38, 1-based): chr12:49,051,743, G>T on the plus strand (C>A on the coding strand, the complement: KMT2D is on the minus strand). VCF-style: chr12-49051743-G-T. GRCh37 (hg19) VCF-style: chr12-49445526-G-T.
Other names: short protein forms P647Q.
Identifiers: ClinVar variation 94196 (VCV000094196.47), dbSNP rs200088180, ClinGen allele CA222051.
Genomic context (GRCh38, chr12:49,051,743, plus strand): 5'-TCAGGCGGTGGAGACAGGCGTGACACCACAGGCAGGGGGGATAGGCGCGATACCTCAGGT[G>T]GGGGGGACATAGGTGATTCTTCAGGTGGTGGGGACATAGGCGAGTCCTCAGGTGGTGGGG-3'
Protein context (NP_003473.3, residues 637-657): PPPEESPMSP[Pro647Gln]PEVSRLSPLP

ClinVar aggregate classification (germline): Conflicting classifications of pathogenicity. Review status: criteria provided, conflicting classifications (1 of 4 stars). 9 submissions from 9 submitters: Uncertain significance (2); Benign (2); Likely benign (3). 2 of the submissions do not count toward it. Last evaluated 2026-08-01.

Conditions:
KMT2D-related disorder. Also called: KMT2D-Related Disorders.
Kabuki syndrome. Also called: NIIKAWA-KUROKI SYNDROME; Kabuki make-up syndrome. Identifiers: Orphanet 2322, MedGen C0796004, MONDO:0016512.
Kabuki syndrome 1 (KABUK1). Also called: KMT2D-Related Kabuki Syndrome. Identifiers: Orphanet 2322, MedGen CN030661, MONDO:0007843, OMIM 147920.

Allele frequency attached by ClinVar (database versions not stated): ESP Exome Variant Server 0.00048.
gnomAD v4.1: 1,129 of 1,585,578 alleles (0.071%); highest among the groups gnomAD compares: Middle Eastern, 0.12%; 4 homozygotes.

Submissions (9):

CeGaT Center for Human Genetics Tuebingen
Classification: Benign. Last evaluated: 2026-08-01. Review status: criteria provided, single submitter. Criteria: CeGaT Center For Human Genetics Tuebingen Variant Classification Criteria Version 2. Collection method: clinical testing. Allele origin: germline. Affected: yes. Observed: 9 variant alleles.
Comment: KMT2D: BP4, BS1, BS2

Labcorp Genetics (formerly Invitae), Labcorp
Classification: Likely benign for Kabuki syndrome. Last evaluated: 2026-01-31. Review status: criteria provided, single submitter. Criteria: Invitae Variant Classification Sherloc (09022015). Collection method: clinical testing. Allele origin: germline.

ARUP Laboratories, Molecular Genetics and Genomics, ARUP Laboratories
Classification: Likely benign. Last evaluated: 2025-04-24. Review status: criteria provided, single submitter. Criteria: ARUP Molecular Germline Variant Investigation Process 2024. Collection method: clinical testing. Allele origin: germline.

Blueprint Genetics
Classification: Likely benign. Last evaluated: 2024-11-27. Review status: criteria provided, single submitter. Criteria: ACMG Guidelines, 2015. Collection method: clinical testing. Allele origin: germline.

GeneDx
Classification: Benign. Last evaluated: 2020-04-24. Review status: criteria provided, single submitter. Criteria: GeneDx Variant Classification Process June 2021. Collection method: clinical testing. Allele origin: germline. Affected: yes.
Comment: In silico analysis supports that this missense variant does not alter protein structure/function; This variant is associated with the following publications: (PMID: 29778030, 21607748, 26092435, 23320472, 30459467, 30107592)

Center for Human Genetics, Inc
Classification: Uncertain significance for Kabuki syndrome 1. Last evaluated: 2016-11-01. Review status: criteria provided, single submitter. Criteria: ACMG Guidelines, 2015. Collection method: clinical testing. Allele origin: germline. Affected: yes.

Eurofins Ntd Llc (ga)
Classification: Uncertain significance. Last evaluated: 2015-01-07. Review status: criteria provided, single submitter. Criteria: EGL Classification Definitions 2015. Collection method: clinical testing. Allele origin: germline. Observed: 2 variant alleles, 2 heterozygotes.

PreventionGenetics, part of Exact Sciences
Classification: Likely benign for KMT2D-related condition. Last evaluated: 2022-08-17. Review status: no assertion criteria provided. Collection method: clinical testing. Allele origin: germline. Not counted in ClinVar's aggregate classification.
Comment: This variant is classified as likely benign based on ACMG/AMP sequence variant interpretation guidelines (Richards et al. 2015 PMID: 25741868, with internal and published modifications).

Genetic and Metabolic Disease Program, Children's Medical Center Research Institute, UT Southwestern Medical Center at Dallas
Classification: Likely pathogenic for Kabuki syndrome 1. Last evaluated: 2017-02-01. Review status: no assertion criteria provided. Collection method: clinical testing. Allele origin: maternal. Inheritance: Autosomal dominant inheritance. Affected: yes. Observed: 1 variant allele, 1 heterozygote. Not counted in ClinVar's aggregate classification.